The following is an entry in ClinVar:

ClinVar aggregate classification (germline): Uncertain significance. Review status: criteria provided, multiple submitters, no conflicts (2 of 4 stars). 2 submissions from 2 submitters: Uncertain significance (2). Last evaluated 2024-09-11.

Conditions:
Epileptic encephalopathy. Identifiers: MedGen C0543888, HP:0200134.

Allele frequency attached by ClinVar (database versions not stated): TOPMed below 0.00001; gnomAD exomes 0.00002.
gnomAD v4.1: 6 of 1,612,220 alleles (0.00037%); highest among the groups gnomAD compares: Admixed American, 0.01%; no homozygotes.

Submissions (2):

Ambry Genetics
Classification: Uncertain significance. Last evaluated: 2024-09-11. Review status: criteria provided, single submitter. Criteria: Ambry Variant Classification Scheme 2023. Collection method: clinical testing. Allele origin: germline.

Labcorp Genetics (formerly Invitae), Labcorp
Classification: Uncertain significance for Epileptic encephalopathy. Last evaluated: 2024-02-05. Review status: criteria provided, single submitter. Criteria: Invitae Variant Classification Sherloc (09022015). Collection method: clinical testing. Allele origin: germline.
Comment: This sequence change replaces alanine, which is neutral and non-polar, with aspartic acid, which is acidic and polar, at codon 902 of the FASN protein (p.Ala902Asp). This variant is present in population databases (no rsID available, gnomAD 0.01%). This variant has not been reported in the literature in individuals affected with FASN-related conditions. ClinVar contains an entry for this variant (Variation ID: 1445643). An algorithm developed to predict the effect of missense changes on protein structure and function (PolyPhen-2) suggests that this variant is likely to be tolerated. In summary, the available evidence is currently insufficient to determine the role of this variant in disease. Therefore, it has been classified as a Variant of Uncertain Significance.

NM_004104.5(FASN):c.2705C>A (p.Ala902Asp)

Gene: FASN (fatty acid synthase; minus strand). Cytogenetic location: 17q25.3.
Variant type: single nucleotide variant.
Coding change: c.2705C>A on transcript NM_004104.5 (MANE Select); coding-DNA position 2705, C replaced by A.
Protein change: p.Ala902Asp; replaces alanine 902 with aspartic acid.
Molecular consequence: missense variant.
Genome position (GRCh38, 1-based): chr17:82,088,196, G>T on the plus strand (C>A on the coding strand, the complement: FASN is on the minus strand). VCF-style: chr17-82088196-G-T. GRCh37 (hg19) VCF-style: chr17-80046072-G-T.
Other names: c.2705C>A (NM_004104.4); short protein forms A902D.
Identifiers: ClinVar variation 1445643 (VCV001445643.7), dbSNP rs1315865366, ClinGen allele CA401555934.